The following is an entry in ClinVar:

NM_015311.3(OBSL1):c.1685A>G (p.Asp562Gly)

Gene: OBSL1 (obscurin like cytoskeletal adaptor 1; minus strand). Cytogenetic location: 2q35.
Variant type: single nucleotide variant.
Coding change: c.1685A>G on transcript NM_015311.3 (MANE Select); coding-DNA position 1685, A replaced by G.
Protein change: p.Asp562Gly; replaces aspartic acid 562 with glycine.
Molecular consequence: missense variant.
Genome position (GRCh38, 1-based): chr2:219,567,425, T>C on the plus strand (A>G on the coding strand, the complement: OBSL1 is on the minus strand). VCF-style: chr2-219567425-T-C. GRCh37 (hg19) VCF-style: chr2-220432147-T-C.
Other names: c.1685A>G, p.Asp562Gly (NM_001173408.2, NM_001173431.2); short protein forms D562G.
Identifiers: ClinVar variation 1993476 (VCV001993476.4), dbSNP rs1257288648, ClinGen allele CA350756760.

ClinVar aggregate classification (germline): Uncertain significance (1 of 4 stars; one submission).

Allele frequency attached by ClinVar (database versions not stated): TOPMed below 0.00001.

Submission:

Labcorp Genetics (formerly Invitae), Labcorp
Classification: Uncertain significance. Last evaluated: 2022-05-28. Review status: criteria provided, single submitter. Criteria: Invitae Variant Classification Sherloc (09022015). Collection method: clinical testing. Allele origin: germline.
Comment: This sequence change replaces aspartic acid, which is acidic and polar, with glycine, which is neutral and non-polar, at codon 562 of the OBSL1 protein (p.Asp562Gly). This variant is not present in population databases (gnomAD no frequency). This variant has not been reported in the literature in individuals affected with OBSL1-related conditions. Algorithms developed to predict the effect of missense changes on protein structure and function (SIFT, PolyPhen-2, Align-GVGD) all suggest that this variant is likely to be tolerated. In summary, the available evidence is currently insufficient to determine the role of this variant in disease. Therefore, it has been classified as a Variant of Uncertain Significance.